The following is an entry in ClinVar:

NM_000051.4(ATM):c.1922A>T (p.Glu641Val)

Gene: ATM (ATM serine/threonine kinase; plus strand). Cytogenetic location: 11q22.3.
Variant type: single nucleotide variant.
Coding change: c.1922A>T on transcript NM_000051.4 (MANE Select); coding-DNA position 1922, A replaced by T.
Protein change: p.Glu641Val; replaces glutamic acid 641 with valine.
Molecular consequence: missense variant.
Genome position (GRCh38, 1-based): chr11:108,253,837, A>T. VCF-style: chr11-108253837-A-T. GRCh37 (hg19) VCF-style: chr11-108124564-A-T.
Other names: c.1922A>T, p.Glu641Val (NM_001351834.2); short protein forms E641V.
Identifiers: ClinVar variation 3232231 (VCV003232231.1), dbSNP rs2135366277, ClinGen allele CA382536462.

ClinVar aggregate classification (germline): Uncertain significance (1 of 4 stars; one submission).

Conditions:
Hereditary cancer-predisposing syndrome. Also called: Neoplastic Syndromes, Hereditary; Tumor predisposition; Hereditary neoplastic syndrome; Hereditary Cancer Syndrome. Identifiers: Orphanet 140162, MedGen C0027672, MeSH D009386, MONDO:0015356.

Submission:

Ambry Genetics
Classification: Uncertain significance for Hereditary cancer-predisposing syndrome. Last evaluated: 2023-12-14. Review status: criteria provided, single submitter. Criteria: Ambry Variant Classification Scheme 2023. Collection method: clinical testing. Allele origin: germline.
Comment: The p.E641V variant (also known as c.1922A>T), located in coding exon 12 of the ATM gene, results from an A to T substitution at nucleotide position 1922. The glutamic acid at codon 641 is replaced by valine, an amino acid with dissimilar properties. This amino acid position is conserved. In addition, this alteration is predicted to be tolerated by in silico analysis. Since supporting evidence is limited at this time, the clinical significance of this alteration remains unclear.